The following is an entry in ClinVar:

NM_000465.4(BARD1):c.2185G>C (p.Asp729His)

Gene: BARD1 (BRCA1 associated RING domain 1; minus strand). Cytogenetic location: 2q35.
Variant type: single nucleotide variant.
Coding change: c.2185G>C on transcript NM_000465.4 (MANE Select); coding-DNA position 2185, G replaced by C.
Protein change: p.Asp729His; replaces aspartic acid 729 with histidine.
Molecular consequence: missense variant. On other transcripts: non-coding transcript variant (3).
Genome position (GRCh38, 1-based): chr2:214,728,825, C>G on the plus strand (G>C on the coding strand, the complement: BARD1 is on the minus strand). VCF-style: chr2-214728825-C-G. GRCh37 (hg19) VCF-style: chr2-215593549-C-G.
Other names: c.775G>C, p.Asp259His (NM_001282548.2); c.646G>C, p.Asp216His (NM_001282549.2); c.2128G>C, p.Asp710His (NM_001282543.2); c.832G>C, p.Asp278His (NM_001282545.2); short protein forms D216H, D278H, D710H, D259H, D729H.
Identifiers: ClinVar variation 665737 (VCV000665737.14), dbSNP rs1443031799, ClinGen allele CA350450335.

ClinVar aggregate classification (germline): Uncertain significance. Review status: criteria provided, multiple submitters, no conflicts (2 of 4 stars). 2 submissions from 2 submitters: Uncertain significance (2). Last evaluated 2024-12-17.

Conditions:
Familial cancer of breast. Also called: BREAST CANCER, FAMILIAL; hereditary breast carcinoma; Hereditary breast cancer. Identifiers: Orphanet 227535, MedGen C0346153, MONDO:0016419, OMIM 114480. Disease mechanism: loss of function.
Hereditary cancer-predisposing syndrome. Also called: Tumor predisposition; Hereditary neoplastic syndrome; Neoplastic Syndromes, Hereditary; Hereditary Cancer Syndrome. Identifiers: Orphanet 140162, MedGen C0027672, MeSH D009386, MONDO:0015356.

gnomAD v4.1: 1 of 1,614,186 alleles (0.000062%); highest among the groups gnomAD compares: Non-Finnish European, 0.000085%; no homozygotes.

Submissions (2):

Labcorp Genetics (formerly Invitae), Labcorp
Classification: Uncertain significance for Familial cancer of breast. Last evaluated: 2024-12-17. Review status: criteria provided, single submitter. Criteria: Invitae Variant Classification Sherloc (09022015). Collection method: clinical testing. Allele origin: germline.
Comment: This sequence change replaces aspartic acid, which is acidic and polar, with histidine, which is basic and polar, at codon 729 of the BARD1 protein (p.Asp729His). This variant is present in population databases (no rsID available, gnomAD 0.0009%). This variant has not been reported in the literature in individuals affected with BARD1-related conditions. ClinVar contains an entry for this variant (Variation ID: 665737). An algorithm developed to predict the effect of missense changes on protein structure and function (PolyPhen-2) suggests that this variant is likely to be disruptive. In summary, the available evidence is currently insufficient to determine the role of this variant in disease. Therefore, it has been classified as a Variant of Uncertain Significance.

Ambry Genetics
Classification: Uncertain significance for Hereditary cancer-predisposing syndrome. Last evaluated: 2024-02-27. Review status: criteria provided, single submitter. Criteria: Ambry Variant Classification Scheme 2023. Collection method: clinical testing. Allele origin: germline.
Comment: The p.D729H variant (also known as c.2185G>C), located in coding exon 11 of the BARD1 gene, results from a G to C substitution at nucleotide position 2185. The aspartic acid at codon 729 is replaced by histidine, an amino acid with similar properties. This amino acid position is highly conserved in available vertebrate species. In addition, this alteration is predicted to be deleterious by in silico analysis. Since supporting evidence is limited at this time, the clinical significance of this alteration remains unclear.